The following is an entry in ClinVar:

ClinVar aggregate classification (germline): Uncertain significance (1 of 4 stars; one submission).

Submission:

Labcorp Genetics (formerly Invitae), Labcorp
Classification: Uncertain significance. Last evaluated: 2024-06-20. Review status: criteria provided, single submitter. Criteria: Invitae Variant Classification Sherloc (09022015). Collection method: clinical testing. Allele origin: germline.
Comment: This sequence change replaces glycine, which is neutral and non-polar, with arginine, which is basic and polar, at codon 313 of the TCF3 protein (p.Gly313Arg). This variant is not present in population databases (gnomAD no frequency). This variant has not been reported in the literature in individuals affected with TCF3-related conditions. Advanced modeling of protein sequence and biophysical properties (such as structural, functional, and spatial information, amino acid conservation, physicochemical variation, residue mobility, and thermodynamic stability) performed at Invitae indicates that this missense variant is not expected to disrupt TCF3 protein function with a negative predictive value of 80%. In summary, the available evidence is currently insufficient to determine the role of this variant in disease. Therefore, it has been classified as a Variant of Uncertain Significance.

NM_003200.5(TCF3):c.937G>C (p.Gly313Arg)

Gene: TCF3 (transcription factor 3; minus strand). Cytogenetic location: 19p13.3.
Variant type: single nucleotide variant.
Coding change: c.937G>C on transcript NM_003200.5 (MANE Select); coding-DNA position 937, G replaced by C.
Protein change: p.Gly313Arg; replaces glycine 313 with arginine.
Molecular consequence: missense variant.
Genome position (GRCh38, 1-based): chr19:1,621,856, C>G on the plus strand (G>C on the coding strand, the complement: TCF3 is on the minus strand). VCF-style: chr19-1621856-C-G. GRCh37 (hg19) VCF-style: chr19-1621855-C-G.
Other names: c.937G>C, p.Gly313Arg (NM_001136139.4, NM_001351778.2, NM_001351779.2); short protein forms G313R.
Identifiers: ClinVar variation 3714668 (VCV003714668.2).